The following is an entry in ClinVar:

ClinVar aggregate classification (germline): Pathogenic/Likely pathogenic. Review status: criteria provided, multiple submitters, no conflicts (2 of 4 stars). 4 submissions from 4 submitters: Pathogenic (2); Likely pathogenic (2). Last evaluated 2026-08-13.

Conditions:
Ichthyosis vulgaris. Also called: ICHTHYOSIS SIMPLEX; Dominant ichthyosis vulgaris. Identifiers: MedGen C0079584, MONDO:0024304, OMIM 146700.
Dermatitis, atopic, 2. Identifiers: MedGen C1853965, MONDO:0011596, OMIM 605803.
FLG-related disorder. Also called: FLG-related disorders; FLG-related condition.

Allele frequency attached by ClinVar (database versions not stated): TOPMed 0.00004; gnomAD 0.00006; ESP Exome Variant Server 0.00008; gnomAD exomes 0.00016; 1000 Genomes Project 0.00080; 1000 Genomes Project 30x 0.00094.
gnomAD v4.1: 251 of 1,613,716 alleles (0.016%); highest among the groups gnomAD compares: South Asian, 0.068%; 1 homozygote.

Submissions (4):

GeneDx
Classification: Pathogenic. Last evaluated: 2026-08-13. Review status: criteria provided, single submitter. Criteria: GeneDx Variant Classification Process June 2021. Collection method: clinical testing. Allele origin: germline.
Comment: Reported previously in the heterozygous state in association with atopic dermatitis (PMID: 21039602, 30515983, 40125057); Observed with a pathogenic variant on the opposite allele (in trans) in a patient with genodermatosis in published literature (PMID: 40274276); Nonsense variant predicted to result in protein truncation, as the last 2922 amino acids are lost, and other loss-of-function variants have been reported downstream in HGMD; This variant is associated with the following publications: (PMID: 25506102, 23301728, 30515983, 31589614, 21039602, 36840480, 40125057, 40274276, 16444271)

Institute of Immunology and Genetics Kaiserslautern
Classification: Pathogenic for Ichthyosis vulgaris. Last evaluated: 2025-06-03. Review status: criteria provided, single submitter. Criteria: ACMG Guidelines, 2015. Collection method: clinical testing. Allele origin: germline. Affected: yes.
Comment: ACMG Criteria: PVS1, PS4, PM2, PP5; Variant was found in heterozygous state.

Blueprint Genetics
Classification: Likely pathogenic for FLG-related disorders. Last evaluated: 2024-10-16. Review status: criteria provided, single submitter. Criteria: ACMG Guidelines, 2015. Collection method: clinical testing. Allele origin: germline. Affected: yes. Observed: 5 variant alleles.

Juno Genomics, Hangzhou Juno Genomics, Inc
Classification: Likely pathogenic for Dermatitis, atopic, 2; Ichthyosis vulgaris. Review status: criteria provided, single submitter. Criteria: ACMG Guidelines, 2015. Collection method: clinical testing. Allele origin: germline. Affected: yes.
Comment: Absent from controls (or at extremely low frequency if recessive) in Genome Aggregation Database, Exome Sequencing Project, 1000 Genomes Project, or Exome Aggregation Consortium.;Null variant in a gene where loss of function (LOF) is a known mechanism of disease.;For recessive disorders, detected in trans with a pathogenic variant.

NM_002016.2(FLG):c.3418C>T (p.Arg1140Ter)

Genes: CCDST (cervical cancer associated DHX9 suppressive transcript; plus strand), FLG (filaggrin; minus strand). Cytogenetic location: 1q21.3.
Variant type: single nucleotide variant.
Coding change: c.3418C>T on transcript NM_002016.2 (MANE Select); coding-DNA position 3418, C replaced by T.
Protein change: p.Arg1140Ter; replaces arginine 1140 with a stop codon.
Molecular consequence: nonsense.
Genome position (GRCh38, 1-based): chr1:152,311,468, G>A on the plus strand (C>T on the coding strand, the complement: FLG is on the minus strand). VCF-style: chr1-152311468-G-A. GRCh37 (hg19) VCF-style: chr1-152283944-G-A.
Other names: short protein forms R1140*.
Identifiers: ClinVar variation 620135 (VCV000620135.12), dbSNP rs141375260, ClinGen allele CA1106692.